The following is an entry in ClinVar:

NM_138927.4(SON):c.3396C>A (p.Tyr1132Ter)

Gene: SON (SON DNA and RNA binding protein; plus strand). Cytogenetic location: 21q22.11.
Variant type: single nucleotide variant.
Coding change: c.3396C>A on transcript NM_138927.4 (MANE Select); coding-DNA position 3396, C replaced by A.
Protein change: p.Tyr1132Ter; replaces tyrosine 1132 with a stop codon.
Molecular consequence: nonsense. On other transcripts: non-coding transcript variant (1), intron variant (1).
Genome position (GRCh38, 1-based): chr21:33,552,627, C>A. VCF-style: chr21-33552627-C-A. GRCh37 (hg19) VCF-style: chr21-34924933-C-A.
Other names: c.3396C>A, p.Tyr1132Ter (NM_001291411.2, NM_032195.3); c.245-4529C>A (NM_001291412.3); short protein forms Y1132*.
Identifiers: ClinVar variation 450464 (VCV000450464.2), dbSNP rs1555898806, ClinGen allele CA410160102.

ClinVar aggregate classification (germline): Pathogenic (1 of 4 stars; one submission).

Submission:

GeneDx
Classification: Pathogenic. Last evaluated: 2017-07-19. Review status: criteria provided, single submitter. Criteria: GeneDx Variant Classification (06012015). Collection method: clinical testing. Allele origin: germline. Affected: yes.
Comment: The Y1132X variant in the SON gene has not been reported previously as a pathogenic variant nor as a benign variant, to our knowledge. This variant is predicted to cause loss of normal protein function either through protein truncation or nonsense-mediated mRNA decay. The Y1132X variant is not observed in large population cohorts (Lek et al., 2016; 1000 Genomes Consortium et al., 2015; Exome Variant Server). We interpret Y1132X as a pathogenic variant.